The following is an entry in ClinVar:

NM_001042492.3(NF1):c.540dup (p.Gln181fs)

Gene: NF1 (neurofibromin 1; plus strand). Cytogenetic location: 17q11.2.
Variant type: Duplication.
Coding change: c.540dup on transcript NM_001042492.3 (MANE Select); coding-DNA position 540, one base duplicated (A; older notation c.540dupA).
Protein change: p.Gln181fs; shifts the reading frame from glutamine 181.
Molecular consequence: frameshift variant.
Genome position (GRCh38, 1-based): chr17:31,169,951, A duplicated. VCF-style (leftmost placement, unchanged base first): chr17-31169950-T-TA. GRCh37 (hg19) VCF-style: chr17-29496968-T-TA.
Other names: c.540dupA (NM_000267.3); c.540dup, p.Gln181Thrfs (NM_000267.4); c.540dup, p.Gln181fs (NM_001128147.3); short protein forms Q181fs.
Identifiers: ClinVar variation 944255 (VCV000944255.11), dbSNP rs2065904037, ClinGen allele CA1139665357.

ClinVar aggregate classification (germline): Pathogenic. Review status: criteria provided, multiple submitters, no conflicts (2 of 4 stars). 4 submissions from 4 submitters: Pathogenic (4). Last evaluated 2025-08-11.

Conditions:
Neurofibromatosis, familial spinal (FSNF). Identifiers: Orphanet 636, MedGen C1834235, MONDO:0008078, OMIM 162210. Disease mechanism: loss of function.
Juvenile myelomonocytic leukemia (JMML). Also called: LEUKEMIA, JUVENILE MYELOMONOCYTIC, SOMATIC. Identifiers: Orphanet 86834, MedGen C0349639, MONDO:0011908, OMIM 607785, HP:0012209.
Neurofibromatosis, type 1 (NF1). Also called: VON RECKLINGHAUSEN DISEASE; Peripheral type neurofibromatosis; Neurofibromatosis, type I; NEUROFIBROMATOSIS, TYPE I, SOMATIC. Identifiers: Orphanet 636, MedGen C0027831, MONDO:0018975, OMIM 162200. Disease mechanism: loss of function.
Neurofibromatosis-Noonan syndrome (NFNS). Also called: NEUROFIBROMATOSIS WITH NOONAN PHENOTYPE. Identifiers: Orphanet 638, MedGen C2931482, MONDO:0011035, OMIM 601321. Disease mechanism: loss of function.
Café-au-lait macules with pulmonary stenosis (WTSN). Also called: PULMONIC STENOSIS WITH CAFE-AU-LAIT SPOTS. Identifiers: MedGen C0553586, MONDO:0008672, OMIM 193520.

Submissions (4):

Labcorp Genetics (formerly Invitae), Labcorp
Classification: Pathogenic for Neurofibromatosis, type 1. Last evaluated: 2025-08-11. Review status: criteria provided, single submitter. Criteria: Invitae Variant Classification Sherloc (09022015). Collection method: clinical testing. Allele origin: germline.
Comment: This sequence change creates a premature translational stop signal (p.Gln181Thrfs*20) in the NF1 gene. It is expected to result in an absent or disrupted protein product. Loss-of-function variants in NF1 are known to be pathogenic (PMID: 10712197, 23913538). This variant is not present in population databases (gnomAD no frequency). This premature translational stop signal has been observed in individual(s) with neurofibromatosis type I (PMID: 9177273). Invitae Evidence Modeling of clinical and family history, age, sex, and reported ancestry of multiple individuals with this NF1 variant has been performed. This variant is expected to be pathogenic with a positive predictive value of at least 99%. This is a validated machine learning model that incorporates the clinical features of 1,785,918 individuals referred to our laboratory for NF1 testing. This variant is also known as 752insA. ClinVar contains an entry for this variant (Variation ID: 944255). For these reasons, this variant has been classified as Pathogenic.

Genome-Nilou Lab
Classification: Pathogenic for Neurofibromatosis, type 1. Last evaluated: 2022-03-15. Review status: criteria provided, single submitter. Criteria: ACMG Guidelines, 2015. Collection method: clinical testing. Allele origin: germline. Affected: no.

Genome Diagnostics Laboratory, The Hospital for Sick Children
Classification: Pathogenic for Neurofibromatosis, type 1. Last evaluated: 2020-10-26. Review status: criteria provided, single submitter. Criteria: ACMG Guidelines, 2015. Collection method: clinical testing. Allele origin: germline. Affected: yes.

Juno Genomics, Hangzhou Juno Genomics, Inc
Classification: Pathogenic for Juvenile myelomonocytic leukemia; Neurofibromatosis-Noonan syndrome; Neurofibromatosis, familial spinal; Neurofibromatosis, type 1; Café-au-lait macules with pulmonary stenosis. Review status: criteria provided, single submitter. Criteria: ACMG Guidelines, 2015. Collection method: clinical testing. Allele origin: germline. Affected: yes.
Comment: Absent from controls (or at extremely low frequency if recessive) in Genome Aggregation Database.;Null variant in a gene where loss of function (LOF) is a known mechanism of disease.;The prevalence of the variant in affected individuals is significantly increased compared to the prevalence in controls.;Patient's phenotype or family history is highly specific for a disease with a single genetic etiology.

Literature cited by the submitters: PubMed 10712197 (cited by Labcorp Genetics (formerly Invitae), Labcorp); PubMed 23913538 (cited by Labcorp Genetics (formerly Invitae), Labcorp); PubMed 9177273 (cited by Labcorp Genetics (formerly Invitae), Labcorp).